The following is an entry in ClinVar:

NM_015425.6(POLR1A):c.394C>A (p.Leu132Ile)

Gene: POLR1A (RNA polymerase I subunit A; minus strand). Cytogenetic location: 2p11.2.
Variant type: single nucleotide variant.
Coding change: c.394C>A on transcript NM_015425.6 (MANE Select); coding-DNA position 394, C replaced by A.
Protein change: p.Leu132Ile; replaces leucine 132 with isoleucine.
Molecular consequence: missense variant.
Genome position (GRCh38, 1-based): chr2:86,098,649, G>T on the plus strand (C>A on the coding strand, the complement: POLR1A is on the minus strand). VCF-style: chr2-86098649-G-T. GRCh37 (hg19) VCF-style: chr2-86325772-G-T.
Other names: short protein forms L132I.
Identifiers: ClinVar variation 3901677 (VCV003901677.2).
Genomic context (GRCh38, chr2:86,098,649, plus strand): 5'-GTGACCACCACTACCCACCTACCCTGTTCAGAATTCTCTCAAGCTCGTAGACTGCTTGTA[G>T]GGCCCCGACTTCCAGAACCCTCAGCTGGCAGAGTAAGAGGTGAATCACGGCCCGGGGACA-3'
Protein context (NP_056240.2, residues 122-142): CQLRVLEVGA[Leu132Ile]QAVYELERIL

ClinVar aggregate classification (germline): Uncertain significance (1 of 4 stars; one submission).

Submission:

GeneDx
Classification: Uncertain significance. Last evaluated: 2026-09-03. Review status: criteria provided, single submitter. Criteria: GeneDx Variant Classification Process June 2021. Collection method: clinical testing. Allele origin: germline.
Comment: Not observed at significant frequency in large population cohorts (gnomAD); In silico analysis indicates that this missense variant does not alter protein structure/function; Has not been previously published as pathogenic or benign to our knowledge.